The following is an entry in ClinVar:

NM_000553.6(WRN):c.3133A>G (p.Lys1045Glu)

Gene: WRN (WRN RecQ like helicase; plus strand). Cytogenetic location: 8p12.
Variant type: single nucleotide variant.
Coding change: c.3133A>G on transcript NM_000553.6 (MANE Select); coding-DNA position 3133, A replaced by G.
Protein change: p.Lys1045Glu; replaces lysine 1045 with glutamic acid.
Molecular consequence: missense variant.
Genome position (GRCh38, 1-based): chr8:31,141,595, A>G. VCF-style: chr8-31141595-A-G. GRCh37 (hg19) VCF-style: chr8-30999111-A-G.
Other names: short protein forms K1045E.
Identifiers: ClinVar variation 1349750 (VCV001349750.6), dbSNP rs1009990257, ClinGen allele CA174900057.

ClinVar aggregate classification (germline): Uncertain significance (1 of 4 stars; one submission).

Conditions:
Werner syndrome (WRN). Identifiers: Orphanet 902, MedGen C0043119, MONDO:0010196, OMIM 277700.

Allele frequency attached by ClinVar (database versions not stated): gnomAD exomes below 0.00001.
gnomAD v4.1: 5 of 1,614,104 alleles (0.00031%); highest among the groups gnomAD compares: Non-Finnish European, 0.00042%; no homozygotes.

Submission:

Labcorp Genetics (formerly Invitae), Labcorp
Classification: Uncertain significance for Werner syndrome. Last evaluated: 2025-07-31. Review status: criteria provided, single submitter. Criteria: Invitae Variant Classification Sherloc (09022015). Collection method: clinical testing. Allele origin: germline.
Comment: This sequence change replaces lysine with glutamic acid at codon 1045 of the WRN protein (p.Lys1045Glu). The lysine residue is weakly conserved and there is a small physicochemical difference between lysine and glutamic acid. This variant is not present in population databases (gnomAD no frequency). This variant has not been reported in the literature in individuals affected with WRN-related conditions. ClinVar contains an entry for this variant (Variation ID: 1349750). An algorithm developed to predict the effect of missense changes on protein structure and function outputs the following: PolyPhen-2: "Benign". The glutamic acid amino acid residue is found in multiple mammalian species, which suggests that this missense change does not adversely affect protein function. In summary, the available evidence is currently insufficient to determine the role of this variant in disease. Therefore, it has been classified as a Variant of Uncertain Significance.